The following is an entry in ClinVar:

NM_015001.3(SPEN):c.7494G>A (p.Val2498=)

Gene: SPEN (spen family transcriptional repressor; plus strand). Cytogenetic location: 1p36.13.
Variant type: single nucleotide variant.
Coding change: c.7494G>A on transcript NM_015001.3 (MANE Select); coding-DNA position 7494, G replaced by A.
Protein change: p.Val2498=; no amino-acid change (valine 2498 retained).
Molecular consequence: synonymous variant.
Genome position (GRCh38, 1-based): chr1:15,933,734, G>A. VCF-style: chr1-15933734-G-A. GRCh37 (hg19) VCF-style: chr1-16260229-G-A.
Identifiers: ClinVar variation 4989698 (VCV004989698.1).

ClinVar aggregate classification (germline): Likely benign (1 of 4 stars; one submission).

Conditions:
SPEN-related disorder. Also called: SPEN-related condition.

gnomAD v4.1: 25 of 1,614,014 alleles (0.0015%); highest among the groups gnomAD compares: Non-Finnish European, 0.002%; no homozygotes.

Submission:

PreventionGenetics, part of Exact Sciences
Classification: Likely benign for SPEN-related condition. Last evaluated: 2024-12-17. Review status: criteria provided, single submitter. Criteria: ACMG Guidelines, 2015. Collection method: clinical testing. Allele origin: germline.
Comment: This variant is classified as likely benign based on ACMG/AMP sequence variant interpretation guidelines (Richards et al. 2015 PMID: 25741868, with internal and published modifications).